The following is an entry in ClinVar:

ClinVar aggregate classification (germline): Uncertain significance (1 of 4 stars; one submission).

Conditions:
Dilated cardiomyopathy 1J (CMD1J). Also called: CARDIOMYOPATHY, DILATED, WITH SENSORINEURAL HEARING LOSS, AUTOSOMAL DOMINANT. Identifiers: Orphanet 217622, MedGen C1854368, MONDO:0011541, OMIM 605362.

Submission:

Labcorp Genetics (formerly Invitae), Labcorp
Classification: Uncertain significance for Dilated cardiomyopathy 1J. Last evaluated: 2025-06-06. Review status: criteria provided, single submitter. Criteria: Invitae Variant Classification Sherloc (09022015). Collection method: clinical testing. Allele origin: germline.
Comment: This sequence change falls in intron 14 of the EYA4 gene. It does not directly change the encoded amino acid sequence of the EYA4 protein. It affects a nucleotide within the consensus splice site. This variant is not present in population databases (gnomAD no frequency). This variant has not been reported in the literature in individuals affected with EYA4-related conditions. Variants that disrupt the consensus splice site are a relatively common cause of aberrant splicing (PMID: 17576681, 9536098). Algorithms developed to predict the effect of sequence changes on RNA splicing suggest that this variant may disrupt the consensus splice site. In summary, the available evidence is currently insufficient to determine the role of this variant in disease. Therefore, it has been classified as a Variant of Uncertain Significance.

Literature cited by the submitters: PubMed 17576681; PubMed 9536098.

NM_004100.5(EYA4):c.1281+3A>T

Genes: EYA4 (EYA transcriptional coactivator and phosphatase 4; plus strand), TARID (TCF21 antisense RNA inducing promoter demethylation; minus strand), LOC126859796 (MED14-independent group 3 enhancer GRCh37_chr6:133826289-133827488; plus strand). Cytogenetic location: 6q23.2.
Variant type: single nucleotide variant.
Coding change: c.1281+3A>T on transcript NM_004100.5 (MANE Select); 3 bases into the intron after coding-DNA position 1281, A replaced by T.
Molecular consequence: intron variant. On other transcripts: non-coding transcript variant (1).
Genome position (GRCh38, 1-based): chr6:133,506,198, A>T. VCF-style: chr6-133506198-A-T. GRCh37 (hg19) VCF-style: chr6-133827336-A-T.
Other names: c.1299+3A>T (NM_001301013.2); c.1281+3A>T (NM_172105.4); c.1212+3A>T (NM_001370458.1, NM_172103.4); c.1137+3A>T (NM_001370459.1); c.1119+3A>T (NM_001301012.2).
Identifiers: ClinVar variation 4720865 (VCV004720865.1).